The following is an entry in ClinVar:

NM_007055.4(POLR3A):c.3839T>C (p.Met1280Thr)

Gene: POLR3A (RNA polymerase III subunit A; minus strand). Cytogenetic location: 10q22.3.
Variant type: single nucleotide variant.
Coding change: c.3839T>C on transcript NM_007055.4 (MANE Select); coding-DNA position 3839, T replaced by C.
Protein change: p.Met1280Thr; replaces methionine 1280 with threonine.
Molecular consequence: missense variant.
Genome position (GRCh38, 1-based): chr10:77,981,480, A>G on the plus strand (T>C on the coding strand, the complement: POLR3A is on the minus strand). VCF-style: chr10-77981480-A-G. GRCh37 (hg19) VCF-style: chr10-79741238-A-G.
Other names: short protein forms M1280T.
Identifiers: ClinVar variation 1392945 (VCV001392945.5), dbSNP rs1290691062, ClinGen allele CA377326537.

ClinVar aggregate classification (germline): Uncertain significance (1 of 4 stars; one submission).

Allele frequency attached by ClinVar (database versions not stated): gnomAD exomes below 0.00001 and 0.00001; gnomAD 0.00001.

Submission:

Labcorp Genetics (formerly Invitae), Labcorp
Classification: Uncertain significance. Last evaluated: 2022-03-02. Review status: criteria provided, single submitter. Criteria: Invitae Variant Classification Sherloc (09022015). Collection method: clinical testing. Allele origin: germline.
Comment: This sequence change replaces methionine, which is neutral and non-polar, with threonine, which is neutral and polar, at codon 1280 of the POLR3A protein (p.Met1280Thr). This variant is present in population databases (no rsID available, gnomAD 0.0009%). This variant has not been reported in the literature in individuals affected with POLR3A-related conditions. Algorithms developed to predict the effect of missense changes on protein structure and function are either unavailable or do not agree on the potential impact of this missense change (SIFT: "Deleterious"; PolyPhen-2: "Possibly Damaging"; Align-GVGD: "Class C0"). In summary, the available evidence is currently insufficient to determine the role of this variant in disease. Therefore, it has been classified as a Variant of Uncertain Significance.